The following is an entry in ClinVar:

ClinVar aggregate classification (germline): Conflicting classifications of pathogenicity. Review status: criteria provided, conflicting classifications (1 of 4 stars). 3 submissions from 3 submitters: Uncertain significance (2); Likely benign (1). Last evaluated 2024-07-11.

Conditions:
Hereditary cancer-predisposing syndrome. Also called: Hereditary neoplastic syndrome; Tumor predisposition; Neoplastic Syndromes, Hereditary; Hereditary Cancer Syndrome. Identifiers: Orphanet 140162, MedGen C0027672, MeSH D009386, MONDO:0015356.
Hereditary breast ovarian cancer syndrome. Also called: Hereditary breast and ovarian cancer; Breast and ovarian cancer; BRCA1- and BRCA2-Associated Hereditary Breast and Ovarian Cancer; Hereditary breast and/or ovarian cancer syndrome; Hereditary breast and ovarian cancer syndrome; Hereditary breast and ovarian cancer syndrome (HBOC). Identifiers: Orphanet 145, MedGen C0677776, MeSH D061325, MONDO:0003582. Disease mechanism: loss of function.

Submissions (3):

Labcorp Genetics (formerly Invitae), Labcorp
Classification: Uncertain significance for Hereditary breast ovarian cancer syndrome. Last evaluated: 2024-07-11. Review status: criteria provided, single submitter. Criteria: Invitae Variant Classification Sherloc (09022015). Collection method: clinical testing. Allele origin: germline.
Comment: This sequence change replaces arginine, which is basic and polar, with isoleucine, which is neutral and non-polar, at codon 672 of the BRCA2 protein (p.Arg672Ile). This variant is not present in population databases (gnomAD no frequency). This variant has not been reported in the literature in individuals affected with BRCA2-related conditions. ClinVar contains an entry for this variant (Variation ID: 1504279). Advanced modeling of protein sequence and biophysical properties (such as structural, functional, and spatial information, amino acid conservation, physicochemical variation, residue mobility, and thermodynamic stability) performed at Invitae indicates that this missense variant is not expected to disrupt BRCA2 protein function with a negative predictive value of 95%. In summary, the available evidence is currently insufficient to determine the role of this variant in disease. Therefore, it has been classified as a Variant of Uncertain Significance.

University of Washington Department of Laboratory Medicine, University of Washington
Classification: Likely benign for Hereditary cancer-predisposing syndrome. Last evaluated: 2023-03-23. Review status: criteria provided, single submitter. Criteria: Dines et al. (Genet Med. 2020). Collection method: curation. Allele origin: germline.
Comment: Missense variant in a coldspot region where missense variants are very unlikely to be pathogenic (PMID:31911673).

BRCA2 exon 11 coldspot. Reclassification based on statistical prior probability.

Ambry Genetics
Classification: Uncertain significance for Hereditary cancer-predisposing syndrome. Last evaluated: 2021-11-24. Review status: criteria provided, single submitter. Criteria: Ambry Variant Classification Scheme 2023. Collection method: clinical testing. Allele origin: germline.
Comment: The p.R672I variant (also known as c.2015G>T), located in coding exon 10 of the BRCA2 gene, results from a G to T substitution at nucleotide position 2015. The arginine at codon 672 is replaced by isoleucine, an amino acid with similar properties. This amino acid position is conserved. In addition, this alteration is predicted to be tolerated by in silico analysis. Since supporting evidence is limited at this time, the clinical significance of this alteration remains unclear.

NM_000059.4(BRCA2):c.2015G>T (p.Arg672Ile)

Gene: BRCA2 (BRCA2 DNA repair associated; plus strand). Cytogenetic location: 13q13.1.
Variant type: single nucleotide variant.
Coding change: c.2015G>T on transcript NM_000059.4 (MANE Select); coding-DNA position 2015, G replaced by T.
Protein change: p.Arg672Ile; replaces arginine 672 with isoleucine.
Molecular consequence: missense variant.
Genome position (GRCh38, 1-based): chr13:32,336,370, G>T. VCF-style: chr13-32336370-G-T. GRCh37 (hg19) VCF-style: chr13-32910507-G-T.
Other names: short protein forms R672I.
Identifiers: ClinVar variation 1504279 (VCV001504279.11), dbSNP rs2137482557, ClinGen allele CA387768782.